The following is an entry in ClinVar:

NM_016507.4(CDK12):c.1613C>G (p.Pro538Arg)

Gene: CDK12 (cyclin dependent kinase 12; plus strand). Cytogenetic location: 17q12.
Variant type: single nucleotide variant.
Coding change: c.1613C>G on transcript NM_016507.4 (MANE Select); coding-DNA position 1613, C replaced by G.
Protein change: p.Pro538Arg; replaces proline 538 with arginine.
Molecular consequence: missense variant.
Genome position (GRCh38, 1-based): chr17:39,471,445, C>G. VCF-style: chr17-39471445-C-G. GRCh37 (hg19) VCF-style: chr17-37627698-C-G.
Other names: c.1613C>G, p.Pro538Arg (NM_015083.4); short protein forms P538R.
Identifiers: ClinVar variation 4651428 (VCV004651428.1).

ClinVar aggregate classification (germline): Uncertain significance (1 of 4 stars; one submission).

gnomAD v4.1: 3 of 1,613,290 alleles (0.00019%); highest among the groups gnomAD compares: South Asian, 0.0033%; no homozygotes.

Submission:

Ambry Genetics
Classification: Uncertain significance. Last evaluated: 2025-11-03. Review status: criteria provided, single submitter. Criteria: Ambry Variant Classification Scheme 2023. Collection method: clinical testing. Allele origin: germline.
Comment: The p.P538R variant (also known as c.1613C>G), located in coding exon 2 of the CDK12 gene, results from a C to G substitution at nucleotide position 1613. The proline at codon 538 is replaced by arginine, an amino acid with dissimilar properties. This amino acid position is conserved. In addition, the in silico prediction for this alteration is inconclusive. Based on the available evidence, the clinical significance of this variant remains unclear.